The following is an entry in ClinVar:

NM_004727.3(SLC24A1):c.1679G>A (p.Arg560His)

Gene: SLC24A1 (solute carrier family 24 member 1; plus strand). Cytogenetic location: 15q22.31.
Variant type: single nucleotide variant.
Coding change: c.1679G>A on transcript NM_004727.3 (MANE Select); coding-DNA position 1679, G replaced by A.
Protein change: p.Arg560His; replaces arginine 560 with histidine.
Molecular consequence: missense variant.
Genome position (GRCh38, 1-based): chr15:65,625,759, G>A. VCF-style: chr15-65625759-G-A. GRCh37 (hg19) VCF-style: chr15-65918097-G-A.
Other names: c.1679G>A, p.Arg560His (NM_001301031.1, NM_001301032.1, NM_001301033.2); c.1679G>A (NM_004727.2); short protein forms R560H.
Identifiers: ClinVar variation 1022353 (VCV001022353.6), dbSNP rs373174484, ClinGen allele CA7619956.

ClinVar aggregate classification (germline): Uncertain significance. Review status: criteria provided, single submitter (1 of 4 stars). 2 submissions from 2 submitters: Uncertain significance (1). 1 of the submissions does not count toward it. Last evaluated 2022-02-24.

Conditions:
SLC24A1-related disorder. Also called: SLC24A1-related condition.

Allele frequency attached by ClinVar (database versions not stated): gnomAD 0.00001 and 0.00002; ExAC 0.00002; gnomAD exomes 0.00002; TOPMed 0.00002; ESP Exome Variant Server 0.00008; 1000 Genomes Project 30x 0.00016; 1000 Genomes Project 0.00020.
gnomAD v4.1: 21 of 1,613,972 alleles (0.0013%); highest among the groups gnomAD compares: Non-Finnish European, 0.0015%; no homozygotes.

Submissions (2):

Labcorp Genetics (formerly Invitae), Labcorp
Classification: Uncertain significance. Last evaluated: 2022-02-24. Review status: criteria provided, single submitter. Criteria: Invitae Variant Classification Sherloc (09022015). Collection method: clinical testing. Allele origin: germline.
Comment: This sequence change replaces arginine, which is basic and polar, with histidine, which is basic and polar, at codon 560 of the SLC24A1 protein (p.Arg560His). This variant is present in population databases (rs373174484, gnomAD 0.007%). This variant has not been reported in the literature in individuals affected with SLC24A1-related conditions. ClinVar contains an entry for this variant (Variation ID: 1022353). Algorithms developed to predict the effect of missense changes on protein structure and function (SIFT, PolyPhen-2, Align-GVGD) all suggest that this variant is likely to be disruptive. In summary, the available evidence is currently insufficient to determine the role of this variant in disease. Therefore, it has been classified as a Variant of Uncertain Significance.

PreventionGenetics, part of Exact Sciences
Classification: Uncertain significance for SLC24A1-related condition. Last evaluated: 2024-09-06. Review status: no assertion criteria provided. Collection method: clinical testing. Allele origin: germline. Not counted in ClinVar's aggregate classification.
Comment: The SLC24A1 c.1679G>A variant is predicted to result in the amino acid substitution p.Arg560His. To our knowledge, this variant has not been reported in the literature. This variant is reported in 0.0065% of alleles in individuals of African descent in gnomAD. At this time, the clinical significance of this variant is uncertain due to the absence of conclusive functional and genetic evidence.